The following is an entry in ClinVar:

ClinVar aggregate classification (germline): Likely pathogenic (1 of 4 stars; one submission).

Conditions:
Anemia, nonspherocytic hemolytic, due to G6PD deficiency (CNSHA1). Also called: Hemolytic anemia due to G6PD deficiency; Class I glucose-6-phosphate dehydrogenase deficiency; Favism, susceptibility to; ANEMIA, CONGENITAL, NONSPHEROCYTIC HEMOLYTIC, 1. Identifiers: Orphanet 466026, MedGen C2720289, MONDO:0010480, OMIM 300908.

gnomAD v4.1: 1 of 1,212,057 alleles (0.000083%); highest among the groups gnomAD compares: Non-Finnish European, 0.00011%; no homozygotes.

Submission:

Dunham Lab, University of Washington
Classification: Likely pathogenic for Anemia, nonspherocytic hemolytic, due to G6PD deficiency. Last evaluated: 2024-09-01. Review status: criteria provided, single submitter. Criteria: ACMG Guidelines, 2015. Collection method: curation, in vitro. Allele origin: unknown, not applicable.
Comment: Reduced activity in functional assay (PS3), predicted to have decreased function (PP3_M). Not found in gnomAD (PM2).

NM_001360016.2(G6PD):c.430C>G (p.Pro144Ala)

Gene: G6PD (glucose-6-phosphate dehydrogenase; minus strand). Cytogenetic location: Xq28.
Variant type: single nucleotide variant.
Coding change: c.430C>G on transcript NM_001360016.2 (MANE Select); coding-DNA position 430, C replaced by G.
Protein change: p.Pro144Ala; replaces proline 144 with alanine.
Molecular consequence: missense variant.
Genome position (GRCh38, 1-based): chrX:154,535,223, G>C on the plus strand (C>G on the coding strand, the complement: G6PD is on the minus strand). VCF-style: chrX-154535223-G-C. GRCh37 (hg19) VCF-style: chrX-153763438-G-C.
Other names: c.520C>G, p.Pro174Ala (NM_000402.4); c.430C>G, p.Pro144Ala (NM_001042351.3); short protein forms P144A, P174A.
Identifiers: ClinVar variation 3339518 (VCV003339518.1).